The following is an entry in ClinVar:

Conditions:
Long QT syndrome 5 (LQT5). Identifiers: Orphanet 101016, Orphanet 768, MedGen C1867904, MONDO:0013372, OMIM 613695.

Submission:

Roden Lab, Vanderbilt University Medical Center
No classification provided (evidence only). Condition: Long QT syndrome 5. Review status: no classification provided. Collection method: in vitro. Allele origin: not applicable. Functional consequence: Effect on ion channel function.
ClinVar note: "not provided" was previously submitted as the classification for the variant. However, the classification appeared to be based only on an observation of functional data so it was converted to no classification on 2025-07-30.

NM_000219.6(KCNE1):c.237C>G (p.Asn79Lys)

Gene: KCNE1 (potassium voltage-gated channel subfamily E regulatory subunit 1; minus strand). Cytogenetic location: 21q22.12.
Variant type: single nucleotide variant.
Coding change: c.237C>G on transcript NM_000219.6 (MANE Select); coding-DNA position 237, C replaced by G.
Protein change: p.Asn79Lys; replaces asparagine 79 with lysine.
Molecular consequence: missense variant.
Genome position (GRCh38, 1-based): chr21:34,449,398, G>C on the plus strand (C>G on the coding strand, the complement: KCNE1 is on the minus strand). VCF-style: chr21-34449398-G-C. GRCh37 (hg19) VCF-style: chr21-35821696-G-C.
Other names: c.237C>G, p.Asn79Lys (NM_001270404.3, NM_001270405.3, NM_001127668.4 and 4 more transcripts); short protein forms N79K.
Identifiers: ClinVar variation 3374405 (VCV003374405.2).
Genomic context (GRCh38, chr21:34,449,398, plus strand): 5'-GACCCGGGCCTGGACATAGGCCTTGTCCTTCTCTTGCCAGGCATCGGACTCGATGTAGAC[G>C]TTGAATGGGTCGTTCGAGTGCTCCAGCTTCTTGGAGCGGATGTAGCTCAGCATGATGCCC-3'
Protein context (NP_000210.2, residues 69-89): KKLEHSNDPF[Asn79Lys]VYIESDAWQE